The following is an entry in ClinVar:

NM_000038.6(APC):c.5237T>C (p.Ile1746Thr)

Gene: APC (APC regulator of Wnt signaling pathway; plus strand). Cytogenetic location: 5q22.2.
Variant type: single nucleotide variant.
Coding change: c.5237T>C on transcript NM_000038.6 (MANE Select); coding-DNA position 5237, T replaced by C.
Protein change: p.Ile1746Thr; replaces isoleucine 1746 with threonine.
Molecular consequence: missense variant.
Genome position (GRCh38, 1-based): chr5:112,840,831, T>C. VCF-style: chr5-112840831-T-C. GRCh37 (hg19) VCF-style: chr5-112176528-T-C.
Other names: c.5237T>C, p.Ile1746Thr (NM_001127510.3, NM_001354895.2); c.5183T>C, p.Ile1728Thr (NM_001127511.3); c.5291T>C, p.Ile1764Thr (NM_001354896.2); c.5267T>C, p.Ile1756Thr (NM_001354897.2); c.5162T>C, p.Ile1721Thr (NM_001354898.2); c.5153T>C, p.Ile1718Thr (NM_001354899.2); c.5114T>C, p.Ile1705Thr (NM_001354900.2); c.5060T>C, p.Ile1687Thr (NM_001354901.2); and 5 more; short protein forms I1655T, I1687T, I1728T, I1746T, I1764T, I1586T, I1620T, I1645T.
Identifiers: ClinVar variation 945510 (VCV000945510.12), dbSNP rs1765891493, ClinGen allele CA16032780.
Genomic context (GRCh38, chr5:112,840,831, plus strand): 5'-AATGCATTAATTCTGCTATGCCCAAAGGGAAAAGTCACAAGCCTTTCCGTGTGAAAAAGA[T>C]AATGGACCAGGTCCAGCAAGCATCTGCGTCTTCTTCTGCACCCAACAAAAATCAGTTAGA-3'
Protein context (NP_000029.2, residues 1736-1756): KSHKPFRVKK[Ile1746Thr]MDQVQQASAS

ClinVar aggregate classification (germline): Uncertain significance. Review status: criteria provided, multiple submitters, no conflicts (2 of 4 stars). 2 submissions from 2 submitters: Uncertain significance (2). Last evaluated 2025-05-02.

Conditions:
Hereditary cancer-predisposing syndrome. Also called: Neoplastic Syndromes, Hereditary; Hereditary Cancer Syndrome; Tumor predisposition; Hereditary neoplastic syndrome. Identifiers: Orphanet 140162, MedGen C0027672, MeSH D009386, MONDO:0015356.
Familial adenomatous polyposis 1 (FAP1). Also called: POLYPOSIS, ADENOMATOUS INTESTINAL; FAMILIAL ADENOMATOUS POLYPOSIS 1, ATTENUATED. Identifiers: MedGen C2713442, MONDO:0021056, OMIM 175100. Disease mechanism: loss of function.

Submissions (2):

Ambry Genetics
Classification: Uncertain significance for Hereditary cancer-predisposing syndrome. Last evaluated: 2025-05-02. Review status: criteria provided, single submitter. Criteria: Ambry Variant Classification Scheme 2023. Collection method: clinical testing. Allele origin: germline.
Comment: The p.I1746T variant (also known as c.5237T>C), located in coding exon 15 of the APC gene, results from a T to C substitution at nucleotide position 5237. The isoleucine at codon 1746 is replaced by threonine, an amino acid with similar properties. This amino acid position is conserved. In addition, in silico predictors for this gene do not accurately predict pathogenicity. Based on the available evidence, the clinical significance of this variant remains unclear.

Labcorp Genetics (formerly Invitae), Labcorp
Classification: Uncertain significance for Familial adenomatous polyposis 1. Last evaluated: 2022-03-07. Review status: criteria provided, single submitter. Criteria: Invitae Variant Classification Sherloc (09022015). Collection method: clinical testing. Allele origin: germline.
Comment: This sequence change replaces isoleucine, which is neutral and non-polar, with threonine, which is neutral and polar, at codon 1746 of the APC protein (p.Ile1746Thr). This variant is not present in population databases (gnomAD no frequency). This variant has not been reported in the literature in individuals affected with APC-related conditions. ClinVar contains an entry for this variant (Variation ID: 945510). Algorithms developed to predict the effect of missense changes on protein structure and function (SIFT, PolyPhen-2, Align-GVGD) all suggest that this variant is likely to be disruptive. In summary, the available evidence is currently insufficient to determine the role of this variant in disease. Therefore, it has been classified as a Variant of Uncertain Significance.